The following is an entry in ClinVar:

NM_033343.4(LHX4):c.461_462del (p.Glu154fs)

Genes: ACBD6 (acyl-CoA binding domain containing 6; minus strand), LHX4 (LIM homeobox 4; plus strand), LHX4-AS1 (LHX4 antisense RNA 1; minus strand). Cytogenetic location: 1q25.2.
Variant type: Microsatellite.
Coding change: c.461_462del on transcript NM_033343.4 (MANE Select); coding-DNA positions 461 to 462, 2 bases deleted (AG; older notation c.461_462delAG).
Protein change: p.Glu154fs; shifts the reading frame from glutamic acid 154.
Molecular consequence: frameshift variant. On other transcripts: non-coding transcript variant (1).
Genome position (GRCh38, 1-based): chr1:180,271,389-180,271,390, AG deleted; deleting any 2 consecutive bases within chr1:180,271,387-180,271,390 gives the same sequence; the c. name uses the placement nearest the transcript's 3' end. VCF-style (leftmost placement, unchanged base first): chr1-180271386-CAG-C. GRCh37 (hg19) VCF-style: chr1-180240521-CAG-C.
Other names: short protein forms E154fs.
Identifiers: ClinVar variation 4056579 (VCV004056579.1).
Genomic context (GRCh38, chr1:180,271,386, plus strand): 5'-GGCGCAGCTGCTGCAGATAGGCCGAAGCCAGTAAGCAGTGGTTTTTCCTTGCAGATGACT[CAG>C]AGGCTGGAGCTAAGCGGCCCCGGACCACCATCACAGCCAAGCAGCTGGAGACATTAAAGA-3'

ClinVar aggregate classification (germline): Likely pathogenic (1 of 4 stars; one submission).

Conditions:
Short stature-pituitary and cerebellar defects-small sella turcica syndrome (CPHD4). Also called: Pituitary hormone deficiency, combined with or without cerebellar defects; Short stature, pituitary and cerebellar defects and small sella turcica. Identifiers: Orphanet 85442, MedGen C2678408, MONDO:0009880, OMIM 262700.

Submission:

Laboratorio de Genetica e Diagnostico Molecular, Hospital Israelita Albert Einstein
Classification: Likely pathogenic for Short stature-pituitary and cerebellar defects-small sella turcica syndrome. Last evaluated: 2024-08-31. Review status: criteria provided, single submitter. Criteria: ACMG Guidelines, 2015. Collection method: clinical testing. Allele origin: germline. Affected: yes.
Comment: ACMG classification criteria: PVS1 very strong, PM2 supporting